The following is an entry in ClinVar:

NM_001134407.3(GRIN2A):c.2251G>A (p.Gly751Arg)

Gene: GRIN2A (glutamate ionotropic receptor NMDA type subunit 2A; minus strand). Cytogenetic location: 16p13.2.
Variant type: single nucleotide variant.
Coding change: c.2251G>A on transcript NM_001134407.3 (MANE Select); coding-DNA position 2251, G replaced by A.
Protein change: p.Gly751Arg; replaces glycine 751 with arginine.
Molecular consequence: missense variant.
Genome position (GRCh38, 1-based): chr16:9,798,382, C>T on the plus strand (G>A on the coding strand, the complement: GRIN2A is on the minus strand). VCF-style: chr16-9798382-C-T. GRCh37 (hg19) VCF-style: chr16-9892239-C-T.
Other names: c.2251G>A, p.Gly751Arg (NM_000833.5, NM_001134408.2); short protein forms G751R.
Identifiers: ClinVar variation 2063324 (VCV002063324.4), dbSNP rs1903132859, ClinGen allele CA394797167.

ClinVar aggregate classification (germline): Uncertain significance (1 of 4 stars; one submission).

Conditions:
Landau-Kleffner syndrome (FESD). Also called: EPILEPSY, FOCAL, WITH SPEECH DISORDER AND WITH OR WITHOUT MENTAL RETARDATION; APHASIA, ACQUIRED, WITH EPILEPSY. Identifiers: Orphanet 1945, Orphanet 725, Orphanet 98818, MedGen C0282512, MONDO:0009509, OMIM 245570.

Allele frequency attached by ClinVar (database versions not stated): gnomAD exomes below 0.00001.
gnomAD v4.1: 1 of 1,613,946 alleles (0.000062%); highest among the groups gnomAD compares: Non-Finnish European, 0.000085%; no homozygotes.

Submission:

Labcorp Genetics (formerly Invitae), Labcorp
Classification: Uncertain significance for Landau-Kleffner syndrome. Last evaluated: 2022-03-15. Review status: criteria provided, single submitter. Criteria: Invitae Variant Classification Sherloc (09022015). Collection method: clinical testing. Allele origin: germline.
Comment: This variant has not been reported in the literature in individuals affected with GRIN2A-related conditions. In summary, the available evidence is currently insufficient to determine the role of this variant in disease. Therefore, it has been classified as a Variant of Uncertain Significance. Algorithms developed to predict the effect of sequence changes on RNA splicing suggest that this variant may create or strengthen a splice site. Advanced modeling of protein sequence and biophysical properties (such as structural, functional, and spatial information, amino acid conservation, physicochemical variation, residue mobility, and thermodynamic stability) performed at Invitae indicates that this missense variant is expected to disrupt GRIN2A protein function. This variant is not present in population databases (gnomAD no frequency). This sequence change replaces glycine, which is neutral and non-polar, with arginine, which is basic and polar, at codon 751 of the GRIN2A protein (p.Gly751Arg).